The following is an entry in ClinVar:

NM_004304.5(ALK):c.1842G>A (p.Trp614Ter)

Gene: ALK (ALK receptor tyrosine kinase; minus strand). Cytogenetic location: 2p23.2.
Variant type: single nucleotide variant.
Coding change: c.1842G>A on transcript NM_004304.5 (MANE Select); coding-DNA position 1842, G replaced by A.
Protein change: p.Trp614Ter; replaces tryptophan 614 with a stop codon.
Molecular consequence: nonsense.
Genome position (GRCh38, 1-based): chr2:29,275,472, C>T on the plus strand (G>A on the coding strand, the complement: ALK is on the minus strand). VCF-style: chr2-29275472-C-T. GRCh37 (hg19) VCF-style: chr2-29498338-C-T.
Other names: short protein forms W614*.
Identifiers: ClinVar variation 2911471 (VCV002911471.3), dbSNP rs2465332228, ClinGen allele CA346480005.

ClinVar aggregate classification (germline): Uncertain significance (1 of 4 stars; one submission).

Conditions:
Neuroblastoma, susceptibility to, 3. Also called: ALK-Related Neuroblastic Tumor Susceptibility. Identifiers: Orphanet 635, MedGen C2751681, MONDO:0013083, OMIM 613014.

Submission:

Labcorp Genetics (formerly Invitae), Labcorp
Classification: Uncertain significance for Neuroblastoma, susceptibility to, 3. Last evaluated: 2024-04-18. Review status: criteria provided, single submitter. Criteria: Invitae Variant Classification Sherloc (09022015). Collection method: clinical testing. Allele origin: germline.
Comment: This sequence change creates a premature translational stop signal (p.Trp614*) in the ALK gene. It is expected to result in an absent or disrupted protein product. However, the current clinical and genetic evidence is not sufficient to establish whether loss-of-function variants in ALK cause disease. This variant is not present in population databases (gnomAD no frequency). This variant has not been reported in the literature in individuals affected with ALK-related conditions. In summary, the available evidence is currently insufficient to determine the role of this variant in disease. Therefore, it has been classified as a Variant of Uncertain Significance.